The following is an entry in ClinVar:

ClinVar aggregate classification (germline): Uncertain significance (1 of 4 stars; one submission).

gnomAD v4.1: 4 of 1,603,650 alleles (0.00025%); highest among the groups gnomAD compares: East Asian, 0.0022%; no homozygotes.

Submission:

Labcorp Genetics (formerly Invitae), Labcorp
Classification: Uncertain significance. Last evaluated: 2024-10-22. Review status: criteria provided, single submitter. Criteria: Invitae Variant Classification Sherloc (09022015). Collection method: clinical testing. Allele origin: germline.
Comment: This sequence change replaces glycine, which is neutral and non-polar, with arginine, which is basic and polar, at codon 886 of the COL11A2 protein (p.Gly886Arg). The frequency data for this variant in the population databases is considered unreliable, as metrics indicate poor data quality at this position in the gnomAD database. This variant has not been reported in the literature in individuals affected with COL11A2-related conditions. Invitae Evidence Modeling of protein sequence and biophysical properties (such as structural, functional, and spatial information, amino acid conservation, physicochemical variation, residue mobility, and thermodynamic stability) indicates that this missense variant is expected to disrupt COL11A2 protein function with a positive predictive value of 95%. In summary, the available evidence is currently insufficient to determine the role of this variant in disease. Therefore, it has been classified as a Variant of Uncertain Significance.

NM_080680.3(COL11A2):c.2656G>A (p.Gly886Arg)

Gene: COL11A2 (collagen type XI alpha 2 chain; minus strand). Cytogenetic location: 6p21.32.
Variant type: single nucleotide variant.
Coding change: c.2656G>A on transcript NM_080680.3 (MANE Select); coding-DNA position 2656, G replaced by A.
Protein change: p.Gly886Arg; replaces glycine 886 with arginine.
Molecular consequence: missense variant.
Genome position (GRCh38, 1-based): chr6:33,173,528, C>T on the plus strand (G>A on the coding strand, the complement: COL11A2 is on the minus strand). VCF-style: chr6-33173528-C-T. GRCh37 (hg19) VCF-style: chr6-33141305-C-T.
Other names: c.2476G>A, p.Gly826Arg (NM_001424108.1); c.1810G>A, p.Gly604Arg (NM_001424109.1); c.1630G>A, p.Gly544Arg (NM_001424110.1, NM_001424111.1); c.610G>A, p.Gly204Arg (NM_001424112.1); c.2335G>A, p.Gly779Arg (NM_080679.3); c.2398G>A, p.Gly800Arg (NM_080681.3); short protein forms G779R, G826R, G886R, G204R, G544R, G800R, G604R.
Identifiers: ClinVar variation 3707866 (VCV003707866.2).